The following is an entry in ClinVar:

NM_000238.4(KCNH2):c.532T>C (p.Ser178Pro)

Gene: KCNH2 (potassium voltage-gated channel subfamily H member 2; minus strand). Cytogenetic location: 7q36.1.
Variant type: single nucleotide variant.
Coding change: c.532T>C on transcript NM_000238.4 (MANE Select); coding-DNA position 532, T replaced by C.
Protein change: p.Ser178Pro; replaces serine 178 with proline.
Molecular consequence: missense variant.
Genome position (GRCh38, 1-based): chr7:150,958,443, A>G on the plus strand (T>C on the coding strand, the complement: KCNH2 is on the minus strand). VCF-style: chr7-150958443-A-G. GRCh37 (hg19) VCF-style: chr7-150655531-A-G.
Other names: c.244T>C, p.Ser82Pro (NM_001406753.1, NM_001406756.1); c.355T>C, p.Ser119Pro (NM_001406755.1); c.232T>C, p.Ser78Pro (NM_001406757.1); c.532T>C, p.Ser178Pro (NM_172056.3); short protein forms S78P, S82P, S178P, S119P.
Identifiers: ClinVar variation 2104632 (VCV002104632.4), dbSNP rs2486094595, ClinGen allele CA369863408.
Genomic context (GRCh38, chr7:150,958,443, plus strand): 5'-CGTCCACCACCACGGCCCCCGGGGCGCCCGCGCCGCCCGCGCCGCCCGACCGCACCGACG[A>G]CTCCCGGGCCGTCAGCGCCAGCAGCGCGGGCAGCTTCAGGCGGAAGGTCTTGGCGCGGCC-3'
Protein context (NP_000229.1, residues 168-188): PALLALTARE[Ser178Pro]SVRSGGAGGA

ClinVar aggregate classification (germline): Uncertain significance (1 of 4 stars; one submission).

Conditions:
Long QT syndrome (LQTS). Identifiers: MedGen C0023976, MeSH D008133, MONDO:0002442. Disease mechanism: loss of function. Inheritance: Various modes of inheritance.

Submission:

Labcorp Genetics (formerly Invitae), Labcorp
Classification: Uncertain significance for Long QT syndrome. Last evaluated: 2024-02-23. Review status: criteria provided, single submitter. Criteria: Invitae Variant Classification Sherloc (09022015). Collection method: clinical testing. Allele origin: germline.
Comment: This sequence change replaces serine, which is neutral and polar, with proline, which is neutral and non-polar, at codon 178 of the KCNH2 protein (p.Ser178Pro). This variant is not present in population databases (gnomAD no frequency). This variant has not been reported in the literature in individuals affected with KCNH2-related conditions. ClinVar contains an entry for this variant (Variation ID: 2104632). Algorithms developed to predict the effect of missense changes on protein structure and function output the following: SIFT: "Not Available"; PolyPhen-2: "Benign"; Align-GVGD: "Not Available". The proline amino acid residue is found in multiple mammalian species, which suggests that this missense change does not adversely affect protein function. In summary, the available evidence is currently insufficient to determine the role of this variant in disease. Therefore, it has been classified as a Variant of Uncertain Significance.